The following is an entry in ClinVar:

ClinVar aggregate classification (germline): Benign/Likely benign. Review status: criteria provided, multiple submitters, no conflicts (2 of 4 stars). 3 submissions from 3 submitters: Benign (1); Likely benign (1). 1 of the submissions does not count toward it. Last evaluated 2025-09-02.

Conditions:
Frontotemporal dementia and/or amyotrophic lateral sclerosis 1 (FTDALS1). Also called: C9orf72 Frontotemporal Dementia and/or Amyotrophic Lateral Sclerosis; Frontotemporal dementia with motor neuron disease 1. Identifiers: Orphanet 275872, MedGen C5779877, MONDO:0007105, OMIM 105550.
Paget disease of bone 2, early-onset (PDB2). Also called: Paget disease of bone 2. Identifiers: MedGen C4085251, MONDO:0011183, OMIM 602080.
SQSTM1-related disorder. Also called: SQSTM1-Related Disorders.

Allele frequency attached by ClinVar (database versions not stated): gnomAD 0.00001 and 0.00013; TOPMed 0.00001; ESP Exome Variant Server 0.00008; gnomAD exomes 0.00036; ExAC 0.00043; 1000 Genomes Project 30x 0.00047; 1000 Genomes Project 0.00060.

Submissions (3):

Labcorp Genetics (formerly Invitae), Labcorp
Classification: Benign for Paget disease of bone 2, early-onset; Frontotemporal dementia and/or amyotrophic lateral sclerosis 1. Last evaluated: 2025-09-02. Review status: criteria provided, single submitter. Criteria: Invitae Variant Classification Sherloc (09022015). Collection method: clinical testing. Allele origin: germline.

Blueprint Genetics
Classification: Likely benign. Last evaluated: 2023-09-20. Review status: criteria provided, single submitter. Criteria: ACMG Guidelines, 2015. Collection method: clinical testing. Allele origin: germline.

PreventionGenetics, part of Exact Sciences
Classification: Likely benign for SQSTM1-related condition. Last evaluated: 2019-04-17. Review status: no assertion criteria provided. Collection method: clinical testing. Allele origin: germline. Not counted in ClinVar's aggregate classification.
Comment: This variant is classified as likely benign based on ACMG/AMP sequence variant interpretation guidelines (Richards et al. 2015 PMID: 25741868, with internal and published modifications).

NM_003900.5(SQSTM1):c.222G>A (p.Leu74=)

Gene: SQSTM1 (sequestosome 1; plus strand). Cytogenetic location: 5q35.3.
Variant type: single nucleotide variant.
Coding change: c.222G>A on transcript NM_003900.5 (MANE Select); coding-DNA position 222, G replaced by A.
Protein change: p.Leu74=; no amino-acid change (leucine 74 retained).
Molecular consequence: synonymous variant. On other transcripts: 5 prime UTR variant (2).
Genome position (GRCh38, 1-based): chr5:179,822,974, G>A. VCF-style: chr5-179822974-G-A. GRCh37 (hg19) VCF-style: chr5-179249974-G-A.
Other names: c.-31G>A (NM_001142298.2, NM_001142299.2); c.222G>A (NM_003900.4).
Identifiers: ClinVar variation 1165330 (VCV001165330.12), dbSNP rs371268375, ClinGen allele CA3600420.